The following is an entry in ClinVar:

ClinVar aggregate classification (germline): Uncertain significance. Review status: criteria provided, multiple submitters, no conflicts (2 of 4 stars). 2 submissions from 2 submitters: Uncertain significance (2). Last evaluated 2024-10-16.

Conditions:
Cardiovascular phenotype. Identifiers: MedGen CN230736.

Allele frequency attached by ClinVar (database versions not stated): gnomAD 0.00001.
gnomAD v4.1: 1 of 1,611,608 alleles (0.000062%); highest among the groups gnomAD compares: African/African-American, 0.0013%; no homozygotes.

Submissions (2):

GeneDx
Classification: Uncertain significance. Last evaluated: 2024-10-16. Review status: criteria provided, single submitter. Criteria: GeneDx Variant Classification Process June 2021. Collection method: clinical testing. Allele origin: germline. Affected: yes.
Comment: Not observed at significant frequency in large population cohorts (gnomAD); In silico analysis supports that this missense variant has a deleterious effect on protein structure/function; Has not been previously published as pathogenic or benign to our knowledge

Ambry Genetics
Classification: Uncertain significance for Cardiovascular phenotype. Last evaluated: 2023-02-08. Review status: criteria provided, single submitter. Criteria: Ambry Variant Classification Scheme 2023. Collection method: clinical testing. Allele origin: germline.
Comment: The p.H244R variant (also known as c.731A>G), located in coding exon 5 of the FKTN gene, results from an A to G substitution at nucleotide position 731. The histidine at codon 244 is replaced by arginine, an amino acid with highly similar properties. This amino acid position is conserved. In addition, this alteration is predicted to be tolerated by in silico analysis. Since supporting evidence is limited at this time, the clinical significance of this alteration remains unclear.

NM_001079802.2(FKTN):c.731A>G (p.His244Arg)

Gene: FKTN (fukutin; plus strand). Cytogenetic location: 9q31.2.
Variant type: single nucleotide variant.
Coding change: c.731A>G on transcript NM_001079802.2 (MANE Select); coding-DNA position 731, A replaced by G.
Protein change: p.His244Arg; replaces histidine 244 with arginine.
Molecular consequence: missense variant. On other transcripts: non-coding transcript variant (2).
Genome position (GRCh38, 1-based): chr9:105,607,902, A>G. VCF-style: chr9-105607902-A-G. GRCh37 (hg19) VCF-style: chr9-108370183-A-G.
Other names: c.731A>G, p.His244Arg (NM_001198963.2, NM_001351496.2, NM_001351498.2 and 1 more transcripts); c.662A>G, p.His221Arg (NM_001351497.2); c.335A>G, p.His112Arg (NM_001351499.2, NM_001351500.2, NM_001351501.2 and 1 more transcripts); short protein forms H244R, H112R, H221R.
Identifiers: ClinVar variation 2448092 (VCV002448092.3), dbSNP rs774796040, ClinGen allele CA197441444.